The following is an entry in ClinVar:

NM_001170629.2(CHD8):c.6060G>C (p.Glu2020Asp)

Gene: CHD8 (chromodomain helicase DNA binding protein 8; minus strand). Cytogenetic location: 14q11.2.
Variant type: single nucleotide variant.
Coding change: c.6060G>C on transcript NM_001170629.2 (MANE Select); coding-DNA position 6060, G replaced by C.
Protein change: p.Glu2020Asp; replaces glutamic acid 2020 with aspartic acid.
Molecular consequence: missense variant.
Genome position (GRCh38, 1-based): chr14:21,393,735, C>G on the plus strand (G>C on the coding strand, the complement: CHD8 is on the minus strand). VCF-style: chr14-21393735-C-G. GRCh37 (hg19) VCF-style: chr14-21861894-C-G.
Other names: c.5223G>C, p.Glu1741Asp (NM_020920.4); short protein forms E1741D, E2020D.
Identifiers: ClinVar variation 1712488 (VCV001712488.4), dbSNP rs377288120, ClinGen allele CA388880495.
Genomic context (GRCh38, chr14:21,393,735, plus strand): 5'-GTCTTGTGGGGTTGGTCGGCTCCTGGCCACCACCTCGTGCTCTAGCTTTAAAGTCAGACT[C>G]TCCAGACTGGGGACCTGGGTAGCTGTCTCCTCGGGTGACTTTTCAACAGGAGCATCTGGG-3'
Protein context (NP_001164100.1, residues 2010-2030): EETATQVPSL[Glu2020Asp]SLTLKLEHEV

ClinVar aggregate classification (germline): Uncertain significance. Review status: criteria provided, multiple submitters, no conflicts (2 of 4 stars). 2 submissions from 2 submitters: Uncertain significance (2). Last evaluated 2023-11-09.

Conditions:
Intellectual developmental disorder with autism and macrocephaly. Also called: Autism, susceptibility to, 18; CHD8-Related Neurodevelopmental Disorder with Overgrowth. Identifiers: Orphanet 642675, MedGen C3554373, MONDO:0014017, OMIM 615032.

Submissions (2):

Baylor Genetics
Classification: Uncertain significance for Intellectual developmental disorder with autism and macrocephaly. Last evaluated: 2023-11-09. Review status: criteria provided, single submitter. Criteria: ACMG Guidelines, 2015. Collection method: clinical testing. Allele origin: unknown.

Wangler Lab, Baylor College of Medicine
Classification: Uncertain significance for Intellectual developmental disorder with autism and macrocephaly. Review status: criteria provided, single submitter. Criteria: ACMG Guidelines, 2015. Collection method: clinical testing. Allele origin: unknown. Inheritance: Autosomal dominant inheritance. Affected: yes. Observed: 1 heterozygote.
Comment: The missense CHD8 variant at c.6060G>C (p.E2020D) was seen on exome through the Texome project (R01HG011795). It has not been observed in gnomAD (PM2). This variant has an inconclusive CADD score (15.590), and the evolutionary conservation of this residue is high. We classify this variant as a variant of uncertain significance.